The following is an entry in ClinVar:

ClinVar aggregate classification (germline): Benign. Review status: criteria provided, multiple submitters, no conflicts (2 of 4 stars). 6 submissions from 6 submitters: Benign (4). 2 of the submissions do not count toward it. Last evaluated 2026-01-26.

Conditions:
Larsen-like syndrome, B3GAT3 type. Also called: Multiple joint dislocations, short stature, craniofacial dysmorphism, with or without congenital heart defects; MULTIPLE JOINT DISLOCATIONS, SHORT STATURE, AND CRANIOFACIAL DYSMORPHISM WITH OR WITHOUT CONGENITAL HEART DEFECTS. Identifiers: Orphanet 284139, MedGen CN034159, MONDO:0009511, OMIM 245600.

Allele frequency attached by ClinVar (database versions not stated): gnomAD exomes 0.00134; ExAC 0.00172; gnomAD 0.00523 and 0.00560; TOPMed 0.00578; 1000 Genomes Project 0.00579; 1000 Genomes Project 30x 0.00656; ESP Exome Variant Server 0.00692.
gnomAD v4.1: 1,475 of 1,614,236 alleles (0.091%); highest among the groups gnomAD compares: African/African-American, 1.8%; 16 homozygotes.

Submissions (6):

Labcorp Genetics (formerly Invitae), Labcorp
Classification: Benign for Larsen-like syndrome, B3GAT3 type. Last evaluated: 2026-01-26. Review status: criteria provided, single submitter. Criteria: Invitae Variant Classification Sherloc (09022015). Collection method: clinical testing. Allele origin: germline.

Mayo Clinic Laboratories, Mayo Clinic
Classification: Benign. Last evaluated: 2024-07-31. Review status: criteria provided, single submitter. Criteria: ACMG Guidelines, 2015. Collection method: clinical testing. Allele origin: germline. Observed: 6 variant alleles.
Comment: BA1, BS2, BP4

GeneDx
Classification: Benign. Last evaluated: 2020-11-27. Review status: criteria provided, single submitter. Criteria: GeneDx Variant Classification Process June 2021. Collection method: clinical testing. Allele origin: germline. Affected: yes.

Breakthrough Genomics
Classification: Benign. Review status: criteria provided, single submitter. Criteria: ACMG Guidelines, 2015. Collection method: not provided. Allele origin: germline. Inheritance: Autosomal recessive inheritance. Affected: yes.

Genome Diagnostics Laboratory, Amsterdam University Medical Center
Classification: Benign. Review status: no assertion criteria provided. Collection method: clinical testing. Allele origin: germline. Affected: yes. Study: VKGL Data-share Consensus. Not counted in ClinVar's aggregate classification.

Laboratory of Diagnostic Genome Analysis, Leiden University Medical Center (LUMC)
Classification: Likely benign. Review status: no assertion criteria provided. Collection method: clinical testing. Allele origin: germline. Affected: yes. Study: VKGL Data-share Consensus. Not counted in ClinVar's aggregate classification.

NM_012200.4(B3GAT3):c.821C>A (p.Thr274Asn)

Gene: B3GAT3 (beta-1,3-glucuronyltransferase 3; minus strand). Cytogenetic location: 11q12.3.
Variant type: single nucleotide variant.
Coding change: c.821C>A on transcript NM_012200.4 (MANE Select); coding-DNA position 821, C replaced by A.
Protein change: p.Thr274Asn; replaces threonine 274 with asparagine.
Molecular consequence: missense variant. On other transcripts: non-coding transcript variant (1).
Genome position (GRCh38, 1-based): chr11:62,616,594, G>T on the plus strand (C>A on the coding strand, the complement: B3GAT3 is on the minus strand). VCF-style: chr11-62616594-G-T. GRCh37 (hg19) VCF-style: chr11-62384066-G-T.
Other names: p.Thr274Asn; c.800C>A, p.Thr267Asn (NM_001288721.2); c.821C>A, p.Thr274Asn (NM_001288722.2, NM_001288723.2); short protein forms T274N, T267N.
Identifiers: ClinVar variation 544155 (VCV000544155.18), dbSNP rs112223093, ClinGen allele CA6050002.